The following is an entry in ClinVar:

ClinVar aggregate classification (germline): Uncertain significance. Review status: criteria provided, multiple submitters, no conflicts (2 of 4 stars). 2 submissions from 2 submitters: Uncertain significance (2). Last evaluated 2023-10-15.

Allele frequency attached by ClinVar (database versions not stated): gnomAD exomes 0.00002; TOPMed 0.00003; ExAC 0.00005; gnomAD 0.00005; ESP Exome Variant Server 0.00015.
gnomAD v4.1: 38 of 1,613,828 alleles (0.0024%); highest among the groups gnomAD compares: African/African-American, 0.0093%; no homozygotes.

Submissions (2):

Labcorp Genetics (formerly Invitae), Labcorp
Classification: Uncertain significance. Last evaluated: 2023-10-15. Review status: criteria provided, single submitter. Criteria: Invitae Variant Classification Sherloc (09022015). Collection method: clinical testing. Allele origin: germline.
Comment: This sequence change replaces tyrosine, which is neutral and polar, with asparagine, which is neutral and polar, at codon 185 of the ZNF513 protein (p.Tyr185Asn). The frequency data for this variant in the population databases is considered unreliable, as metrics indicate poor data quality at this position in the gnomAD database. This variant has not been reported in the literature in individuals affected with ZNF513-related conditions. ClinVar contains an entry for this variant (Variation ID: 2369823). An algorithm developed to predict the effect of missense changes on protein structure and function (PolyPhen-2) suggests that this variant is likely to be disruptive. In summary, the available evidence is currently insufficient to determine the role of this variant in disease. Therefore, it has been classified as a Variant of Uncertain Significance.

Ambry Genetics
Classification: Uncertain significance. Last evaluated: 2021-08-09. Review status: criteria provided, single submitter. Criteria: Ambry Variant Classification Scheme 2023. Collection method: clinical testing. Allele origin: germline.

NM_144631.6(ZNF513):c.553T>A (p.Tyr185Asn)

Gene: ZNF513 (zinc finger protein 513; minus strand). Cytogenetic location: 2p23.3.
Variant type: single nucleotide variant.
Coding change: c.553T>A on transcript NM_144631.6 (MANE Select); coding-DNA position 553, T replaced by A.
Protein change: p.Tyr185Asn; replaces tyrosine 185 with asparagine.
Molecular consequence: missense variant.
Genome position (GRCh38, 1-based): chr2:27,378,713, A>T on the plus strand (T>A on the coding strand, the complement: ZNF513 is on the minus strand). VCF-style: chr2-27378713-A-T. GRCh37 (hg19) VCF-style: chr2-27601580-A-T.
Other names: c.367T>A, p.Tyr123Asn (NM_001201459.2); short protein forms Y123N, Y185N.
Identifiers: ClinVar variation 2369823 (VCV002369823.5), dbSNP rs368360099, ClinGen allele CA1578032.